The following is an entry in ClinVar:

ClinVar aggregate classification (germline): Benign/Likely benign. Review status: criteria provided, multiple submitters, no conflicts (2 of 4 stars). 12 submissions from 12 submitters: Benign (2); Likely benign (8). 2 of the submissions do not count toward it. Last evaluated 2026-01-26.

Conditions:
Cardiovascular phenotype. Identifiers: MedGen CN230736.
Familial hypercholesterolemia. Also called: Familial hypercholesterolaemia; Familial hypercholesterolemias. Identifiers: MedGen C0020445, MONDO:0005439.
Hypercholesterolemia, autosomal dominant, 3 (FHCL3). Also called: Familial Hypercholesterolemia, Autosomal Dominant, 3; PCSK9-Related Familial Hypercholesterolemia, Autosomal Dominant; Familial hypercholesterolemia 3. Identifiers: MedGen C1863551, MONDO:0011369, OMIM 603776.

Allele frequency attached by ClinVar (database versions not stated): gnomAD exomes 0.00021 and 0.00014; 1000 Genomes Project 30x 0.00031; ESP Exome Variant Server 0.00031; TOPMed 0.00008; gnomAD 0.00009; 1000 Genomes Project 0.00020; ExAC 0.00021.
gnomAD v4.1: 320 of 1,614,194 alleles (0.02%); highest among the groups gnomAD compares: South Asian, 0.083%; 4 homozygotes.

Submissions (12):

Labcorp Genetics (formerly Invitae), Labcorp
Classification: Likely benign for Hypercholesterolemia, autosomal dominant, 3. Last evaluated: 2026-01-26. Review status: criteria provided, single submitter. Criteria: Invitae Variant Classification Sherloc (09022015). Collection method: clinical testing. Allele origin: germline.

GENinCode PLC
Classification: Likely benign for Familial hypercholesterolemia. Last evaluated: 2025-01-09. Review status: criteria provided, single submitter. Criteria: ACMG Guidelines, 2015. Collection method: clinical testing. Allele origin: germline.
Comment: This is a synonymous (silent) variant that is not predicted to impact splicing and occurs at a nucleotide which is not highly conserved. This variant has been classified as Likely Benign (BP4, BP7).

Women's Health and Genetics/Laboratory Corporation of America, LabCorp
Classification: Benign. Last evaluated: 2024-05-26. Review status: criteria provided, single submitter. Criteria: LabCorp Variant Classification Summary - May 2015. Collection method: clinical testing. Allele origin: germline.

All of Us Research Program, National Institutes of Health
Classification: Likely benign for Hypercholesterolemia, autosomal dominant, 3. Last evaluated: 2024-02-05. Review status: criteria provided, single submitter. Criteria: ACMG Guidelines, 2015. Collection method: clinical testing. Allele origin: germline. Inheritance: Autosomal dominant inheritance. Observed: 26 variant alleles, 26 heterozygotes.
Comment: This study involves interpretation of variants in research participants for the purpose of population health screening. Participant phenotype was not available at the time of variant classification. Additional details can be found in publication PMID: 35346344, PMCID: PMC8962531

Quest Diagnostics Nichols Institute San Juan Capistrano
Classification: Benign. Last evaluated: 2023-08-04. Review status: criteria provided, single submitter. Criteria: Quest Diagnostics criteria. Collection method: clinical testing. Allele origin: unknown.

Ambry Genetics
Classification: Likely benign for Cardiovascular phenotype. Last evaluated: 2023-01-12. Review status: criteria provided, single submitter. Criteria: Ambry Variant Classification Scheme 2023. Collection method: clinical testing. Allele origin: germline.

Fulgent Genetics
Classification: Likely benign for Hypercholesterolemia, autosomal dominant, 3. Last evaluated: 2021-10-26. Review status: criteria provided, single submitter. Criteria: ACMG Guidelines, 2015. Collection method: clinical testing. Allele origin: unknown.

CeGaT Center for Human Genetics Tuebingen
Classification: Likely benign. Last evaluated: 2020-01-01. Review status: criteria provided, single submitter. Criteria: CeGaT Center For Human Genetics Tuebingen Variant Classification Criteria Version 2. Collection method: clinical testing. Allele origin: germline. Affected: yes. Observed: 1 variant allele.

Color Diagnostics, LLC DBA Color Health
Classification: Likely benign for Familial hypercholesterolemias. Last evaluated: 2017-12-15. Review status: criteria provided, single submitter. Criteria: ACMG Guidelines, 2015. Collection method: clinical testing. Allele origin: germline.

Breakthrough Genomics
Classification: Likely benign. Review status: criteria provided, single submitter. Criteria: ACMG Guidelines, 2015. Collection method: not provided. Allele origin: germline. Inheritance: Autosomal dominant inheritance. Affected: yes.

Clinical Genetics, Academic Medical Center
Classification: Benign. Review status: no assertion criteria provided. Collection method: clinical testing. Allele origin: germline. Affected: yes. Study: VKGL Data-share Consensus. Not counted in ClinVar's aggregate classification.

Diagnostic Laboratory, Department of Genetics, University Medical Center Groningen
Classification: Likely benign for Hypercholesterolemia, autosomal dominant, 3. Review status: no assertion criteria provided. Collection method: clinical testing. Allele origin: germline. Affected: yes. Study: VKGL Data-share Consensus. Not counted in ClinVar's aggregate classification.

NM_174936.4(PCSK9):c.276G>A (p.Glu92=)

Gene: PCSK9 (proprotein convertase subtilisin/kexin type 9; plus strand). Cytogenetic location: 1p32.3.
Variant type: single nucleotide variant.
Coding change: c.276G>A on transcript NM_174936.4 (MANE Select); coding-DNA position 276, G replaced by A.
Protein change: p.Glu92=; no amino-acid change (glutamic acid 92 retained).
Molecular consequence: synonymous variant.
Genome position (GRCh38, 1-based): chr1:55,043,911, G>A. VCF-style: chr1-55043911-G-A. GRCh37 (hg19) VCF-style: chr1-55509584-G-A.
Identifiers: ClinVar variation 518317 (VCV000518317.62), dbSNP rs147865087, ClinGen allele CA041123.
Genomic context (GRCh38, chr1:55,043,911, plus strand): 5'-GAGGTTGCCTGGCACCTACGTGGTGGTGCTGAAGGAGGAGACCCACCTCTCGCAGTCAGA[G>A]CGCACTGCCCGCCGCCTGCAGGCCCAGGCTGCCCGCCGGGGATACCTCACCAAGATCCTG-3'
Protein context (NP_777596.2, residues 82-102): LKEETHLSQS[Glu92=]RTARRLQAQA